The following is an entry in ClinVar:

NM_000093.5(COL5A1):c.4796_4798delinsTGG (p.Glu1599_Asn1600delinsValAsp)

Genes: COL5A1 (collagen type V alpha 1 chain; plus strand), LOC101448202 (uncharacterized LOC101448202; minus strand). Cytogenetic location: 9q34.3.
Variant type: Indel.
Coding change: c.4796_4798delinsTGG on transcript NM_000093.5 (MANE Select); coding-DNA positions 4796 to 4798, AGA replaced by TGG.
Protein change: p.Glu1599_Asn1600delinsValAsp.
Molecular consequence: missense variant.
Genome position (GRCh38, 1-based): chr9:134,824,697-134,824,699, AGA replaced by TGG. VCF-style: chr9-134824697-AGA-TGG. GRCh37 (hg19) VCF-style: chr9-137716543-AGA-TGG.
Other names: c.4796_4798delinsTGG, p.Glu1599_Asn1600delinsValAsp (NM_001278074.1).
Identifiers: ClinVar variation 4232331 (VCV004232331.1).

ClinVar aggregate classification (germline): Uncertain significance (1 of 4 stars; one submission).

Conditions:
Familial thoracic aortic aneurysm and aortic dissection (TAAD). Also called: Thoracic aortic aneurysms and dissections. Identifiers: Orphanet 91387, MedGen C4707243, MONDO:0019625.

Submission:

Ambry Genetics
Classification: Uncertain significance for Familial thoracic aortic aneurysm and aortic dissection. Last evaluated: 2025-07-15. Review status: criteria provided, single submitter. Criteria: Ambry Variant Classification Scheme 2023. Collection method: clinical testing. Allele origin: germline.
Comment: The c.4796_4798delAGAinsTGG variant (also known as p.E1599_N1600delinsVD), located in coding exon 62 of the COL5A1 gene, results from an in-frame deletion of AGA and insertion of TGG at nucleotide positions 4796 to 4798. This results in the substitution of the glutamic acid and asparagine residues for valine and aspartic acid residues at codons 1599 and 1600, respectively. These amino acid positions are not well conserved in available vertebrate species. In addition, this variant is predicted to be neutral by in silico analysis (Choi Y et al. PLoS ONE. 2012; 7(10):e46688). Based on the available evidence, the clinical significance of this variant remains unclear.